The following is an entry in ClinVar:

NM_001379451.1(BCORL1):c.4192G>A (p.Gly1398Ser)

Gene: BCORL1 (BCL6 corepressor like 1; plus strand). Cytogenetic location: Xq26.1.
Variant type: single nucleotide variant.
Coding change: c.4192G>A on transcript NM_001379451.1 (MANE Select); coding-DNA position 4192, G replaced by A.
Protein change: p.Gly1398Ser; replaces glycine 1398 with serine.
Molecular consequence: missense variant.
Genome position (GRCh38, 1-based): chrX:130,028,748, G>A. VCF-style: chrX-130028748-G-A. GRCh37 (hg19) VCF-style: chrX-129162723-G-A.
Other names: c.4192G>A, p.Gly1398Ser (NM_001441326.1, NM_001441327.1, NM_001441328.1 and 3 more transcripts); c.3802G>A, p.Gly1268Ser (NM_001441329.1, NM_001441330.1, NM_001441331.1 and 1 more transcripts); short protein forms G1268S, G1398S.
Identifiers: ClinVar variation 4282403 (VCV004282403.1).

ClinVar aggregate classification (germline): Uncertain significance (1 of 4 stars; one submission).

gnomAD v4.1: 7 of 1,210,503 alleles (0.00058%); highest among the groups gnomAD compares: African/African-American, 0.0017%; no homozygotes.

Submission:

GeneDx
Classification: Uncertain significance. Last evaluated: 2025-04-15. Review status: criteria provided, single submitter. Criteria: GeneDx Variant Classification Process June 2021. Collection method: clinical testing. Allele origin: germline. Affected: yes.
Comment: Not observed at significant frequency in large population cohorts (gnomAD); In silico analysis indicates that this missense variant does not alter protein structure/function; Has not been previously published as pathogenic or benign to our knowledge